The following is an entry in ClinVar:

ClinVar aggregate classification (germline): Likely pathogenic (1 of 4 stars; one submission).

Conditions:
Epidermolytic ichthyosis. Also called: Congenital bullous ichthyosiform erythroderma; Bullous ichthyosiform erythroderma; KRT10-Related Epidermolytic Hyperkeratosis; Epidermolytic Hyperkeratosis. Identifiers: Orphanet 312, MedGen C0079153, MONDO:0007239, HP:0007475.

Submission:

Lifecell International Pvt. Ltd
Classification: Likely pathogenic for Epidermolytic hyperkeratosis 1. Review status: criteria provided, single submitter. Criteria: ACMG Guidelines, 2015. Collection method: clinical testing. Allele origin: germline. Inheritance: Autosomal recessive inheritance. Affected: yes. Observed: 1 homozygote.
Comment: A Homozygote Nonsense variant c.546T>A in Exon 1 of the KRT10 gene that results in the amino acid substitution p.Tyr182* was identified. The observed variant is novel in gnomAD exomes and genomes, respectively. The severity of the impact of this variant on the protein is high, based on the effect of the protein and REVEL score . Rare Exome Variant Ensemble Learner (REVEL) is an ensembl method for predicting the pathogenicity of missense variants based on a combination of scores from 13 individual tools: MutPred, FATHMM v2.3, VEST 3.0, PolyPhen-2, SIFT, PROVEAN, MutationAssessor, MutationTaster, LRT, GERP++, SiPhy, phyloP, and phastCons. The REVEL score for an individual missense variant can range from 0 to 1, with higher scores reflecting greater likelihood that the variant is disease-causing. Based on the above evidence this variant has been classified as Likely Pathogenic according to the ACMG guidelines.

NM_000421.5(KRT10):c.546T>A (p.Tyr182Ter)

Genes: KRT10 (keratin 10; minus strand), KRT10-AS1 (KRT10 antisense RNA 1; plus strand). Cytogenetic location: 17q21.2.
Variant type: single nucleotide variant.
Coding change: c.546T>A on transcript NM_000421.5 (MANE Select); coding-DNA position 546, T replaced by A.
Protein change: p.Tyr182Ter; replaces tyrosine 182 with a stop codon.
Molecular consequence: nonsense.
Genome position (GRCh38, 1-based): chr17:40,822,040, A>T on the plus strand (T>A on the coding strand, the complement: KRT10 is on the minus strand). VCF-style: chr17-40822040-A-T. GRCh37 (hg19) VCF-style: chr17-38978292-A-T.
Other names: c.546T>A, p.Tyr182Ter (NM_001379366.1); short protein forms Y182*.
Identifiers: ClinVar variation 2501706 (VCV002501706.1), dbSNP rs1597822243, ClinGen allele CA399394483.